The following is an entry in ClinVar:

NM_000057.4(BLM):c.1156A>G (p.Ile386Val)

Gene: BLM (BLM RecQ like helicase; plus strand). Cytogenetic location: 15q26.1.
Variant type: single nucleotide variant.
Coding change: c.1156A>G on transcript NM_000057.4 (MANE Select); coding-DNA position 1156, A replaced by G.
Protein change: p.Ile386Val; replaces isoleucine 386 with valine.
Molecular consequence: missense variant.
Genome position (GRCh38, 1-based): chr15:90,760,215, A>G. VCF-style: chr15-90760215-A-G. GRCh37 (hg19) VCF-style: chr15-91303445-A-G.
Other names: c.1156A>G, p.Ile386Val (NM_001287246.2, NM_001287247.2); c.31A>G, p.Ile11Val (NM_001287248.2); short protein forms I386V, I11V.
Identifiers: ClinVar variation 567488 (VCV000567488.14), dbSNP rs757636363, ClinGen allele CA7738474.

ClinVar aggregate classification (germline): Conflicting classifications of pathogenicity. Review status: criteria provided, conflicting classifications (1 of 4 stars). 4 submissions from 4 submitters: Uncertain significance (2); Likely benign (1). 1 of the submissions does not count toward it. Last evaluated 2025-01-31.

Conditions:
Bloom syndrome (BLM). Also called: Bloom-Torre-Machacek syndrome. Identifiers: Orphanet 125, MedGen C0005859, MONDO:0008876, OMIM 210900.
Hereditary cancer-predisposing syndrome. Also called: Neoplastic Syndromes, Hereditary; Tumor predisposition; Hereditary neoplastic syndrome; Hereditary Cancer Syndrome. Identifiers: Orphanet 140162, MedGen C0027672, MeSH D009386, MONDO:0015356.

Allele frequency attached by ClinVar (database versions not stated): ExAC 0.00001; gnomAD 0.00001; gnomAD exomes 0.00001 and 0.00006; TOPMed 0.00002.
gnomAD v4.1: 83 of 1,613,728 alleles (0.0051%); highest among the groups gnomAD compares: Non-Finnish European, 0.0069%; no homozygotes.

Submissions (4):

Labcorp Genetics (formerly Invitae), Labcorp
Classification: Uncertain significance for Bloom syndrome. Last evaluated: 2025-01-31. Review status: criteria provided, single submitter. Criteria: Invitae Variant Classification Sherloc (09022015). Collection method: clinical testing. Allele origin: germline.
Comment: This sequence change replaces isoleucine, which is neutral and non-polar, with valine, which is neutral and non-polar, at codon 386 of the BLM protein (p.Ile386Val). This variant is present in population databases (rs757636363, gnomAD 0.003%). This variant has not been reported in the literature in individuals affected with BLM-related conditions. ClinVar contains an entry for this variant (Variation ID: 567488). Invitae Evidence Modeling of protein sequence and biophysical properties (such as structural, functional, and spatial information, amino acid conservation, physicochemical variation, residue mobility, and thermodynamic stability) indicates that this missense variant is not expected to disrupt BLM protein function with a negative predictive value of 80%. In summary, the available evidence is currently insufficient to determine the role of this variant in disease. Therefore, it has been classified as a Variant of Uncertain Significance.

Fulgent Genetics
Classification: Uncertain significance for Bloom syndrome. Last evaluated: 2024-04-18. Review status: criteria provided, single submitter. Criteria: ACMG Guidelines, 2015. Collection method: clinical testing. Allele origin: germline.

Ambry Genetics
Classification: Likely benign for Hereditary cancer-predisposing syndrome. Last evaluated: 2024-03-14. Review status: criteria provided, single submitter. Criteria: Ambry Variant Classification Scheme 2023. Collection method: clinical testing. Allele origin: germline.

Natera, Inc.
Classification: Uncertain significance for Bloom syndrome. Last evaluated: 2020-09-16. Review status: no assertion criteria provided. Collection method: clinical testing. Allele origin: germline. Not counted in ClinVar's aggregate classification.

Literature cited by the submitters: PubMed 23028338 (cited by Ambry Genetics); PubMed 29212164 (cited by Ambry Genetics).